The following is an entry in ClinVar:

ClinVar aggregate classification (germline): Uncertain significance. Review status: criteria provided, multiple submitters, no conflicts (2 of 4 stars). 2 submissions from 2 submitters: Uncertain significance (2). Last evaluated 2025-08-11.

Conditions:
Blau syndrome (BLAUS). Also called: GRANULOMATOSIS, FAMILIAL JUVENILE SYSTEMIC; GRANULOMATOSIS, FAMILIAL, BLAU TYPE; GRANULOMATOUS INFLAMMATORY ARTHRITIS, DERMATITIS, AND UVEITIS, FAMILIAL; JABS SYNDROME; ARTHROCUTANEOUVEAL GRANULOMATOSIS. Identifiers: Orphanet 90340, MedGen C5201146, MONDO:0008523, OMIM 186580.
Regional enteritis. Also called: Enteritis, Granulomatous. Identifiers: MedGen C0678202, MeSH D003424.
Inborn genetic diseases. Identifiers: MedGen C0950123, MeSH D030342.

gnomAD v4.1: 6 of 1,614,230 alleles (0.00037%); highest among the groups gnomAD compares: Non-Finnish European, 0.00051%; no homozygotes.

Submissions (2):

Ambry Genetics
Classification: Uncertain significance for Inborn genetic diseases. Last evaluated: 2025-08-11. Review status: criteria provided, single submitter. Criteria: Ambry Variant Classification Scheme 2023. Collection method: clinical testing. Allele origin: germline.

Labcorp Genetics (formerly Invitae), Labcorp
Classification: Uncertain significance for Regional enteritis; Blau syndrome. Last evaluated: 2025-06-24. Review status: criteria provided, single submitter. Criteria: Invitae Variant Classification Sherloc (09022015). Collection method: clinical testing. Allele origin: germline.
Comment: This sequence change replaces alanine, which is neutral and non-polar, with glycine, which is neutral and non-polar, at codon 217 of the NOD2 protein (p.Ala217Gly). This variant is present in population databases (no rsID available, gnomAD 0.0009%). This variant has not been reported in the literature in individuals affected with NOD2-related conditions. ClinVar contains an entry for this variant (Variation ID: 3748696). Invitae Evidence Modeling of protein sequence and biophysical properties (such as structural, functional, and spatial information, amino acid conservation, physicochemical variation, residue mobility, and thermodynamic stability) indicates that this missense variant is not expected to disrupt NOD2 protein function with a negative predictive value of 95%. In summary, the available evidence is currently insufficient to determine the role of this variant in disease. Therefore, it has been classified as a Variant of Uncertain Significance.

NM_001370466.1(NOD2):c.569C>G (p.Ala190Gly)

Gene: NOD2 (nucleotide binding oligomerization domain containing 2; plus strand). Cytogenetic location: 16q12.1.
Variant type: single nucleotide variant.
Coding change: c.569C>G on transcript NM_001370466.1 (MANE Select); coding-DNA position 569, C replaced by G.
Protein change: p.Ala190Gly; replaces alanine 190 with glycine.
Molecular consequence: missense variant. On other transcripts: non-coding transcript variant (1).
Genome position (GRCh38, 1-based): chr16:50,710,561, C>G. VCF-style: chr16-50710561-C-G. GRCh37 (hg19) VCF-style: chr16-50744472-C-G.
Other names: c.569C>G, p.Ala190Gly (NM_001293557.2); c.650C>G, p.Ala217Gly (NM_022162.3); short protein forms A190G, A217G.
Identifiers: ClinVar variation 3748696 (VCV003748696.3).